The following is an entry in ClinVar:

ClinVar aggregate classification (germline): Uncertain significance (1 of 4 stars; one submission).

Conditions:
Malignant hyperthermia, susceptibility to, 5 (MHS5). Also called: CACNA1S-Related Malignant Hyperthermia Susceptibility. Identifiers: Orphanet 423, MedGen C1866077, MONDO:0011163, OMIM 601887.

Submission:

All of Us Research Program, National Institutes of Health
Classification: Uncertain significance for Malignant hyperthermia, susceptibility to, 5. Last evaluated: 2023-08-15. Review status: criteria provided, single submitter. Criteria: ACMG Guidelines, 2015. Collection method: clinical testing. Allele origin: germline. Inheritance: Autosomal dominant inheritance. Observed: 1 variant allele, 1 heterozygote.
Comment: This study involves interpretation of variants in research participants for the purpose of population health screening. Participant phenotype was not available at the time of variant classification. Additional details can be found in publication PMID: 35346344, PMCID: PMC8962531

NM_000069.3(CACNA1S):c.4010T>C (p.Leu1337Pro)

Gene: CACNA1S (calcium voltage-gated channel subunit alpha1 S; minus strand). Cytogenetic location: 1q32.1.
Variant type: single nucleotide variant.
Coding change: c.4010T>C on transcript NM_000069.3 (MANE Select); coding-DNA position 4010, T replaced by C.
Protein change: p.Leu1337Pro; replaces leucine 1337 with proline.
Molecular consequence: missense variant.
Genome position (GRCh38, 1-based): chr1:201,051,087, A>G on the plus strand (T>C on the coding strand, the complement: CACNA1S is on the minus strand). VCF-style: chr1-201051087-A-G. GRCh37 (hg19) VCF-style: chr1-201020215-A-G.
Other names: short protein forms L1337P.
Identifiers: ClinVar variation 3072532 (VCV003072532.1), dbSNP rs2464447390, ClinGen allele CA344150549.